The following is an entry in ClinVar:

NM_001267550.2(TTN):c.97386C>T (p.Thr32462=)

Genes: TTN (titin; minus strand), TTN-AS1 (TTN antisense RNA 1; plus strand). Cytogenetic location: 2q31.2.
Variant type: single nucleotide variant.
Coding change: c.97386C>T on transcript NM_001267550.2 (MANE Select); coding-DNA position 97386, C replaced by T.
Protein change: p.Thr32462=; no amino-acid change (threonine 32462 retained).
Molecular consequence: synonymous variant.
Genome position (GRCh38, 1-based): chr2:178,542,370, G>A on the plus strand (C>T on the coding strand, the complement: TTN is on the minus strand). VCF-style: chr2-178542370-G-A. GRCh37 (hg19) VCF-style: chr2-179407097-G-A.
Other names: c.97386C>T (NM_001267550.1); c.92463C>T, p.Thr30821= (NM_001256850.1); c.70191C>T, p.Thr23397= (NM_003319.4); c.89682C>T, p.Thr29894= (NM_133378.4); c.70566C>T, p.Thr23522= (NM_133432.3); c.70767C>T, p.Thr23589= (NM_133437.4).
Identifiers: ClinVar variation 96320 (VCV000096320.79), dbSNP rs376810671, ClinGen allele CA223997.

ClinVar aggregate classification (germline): Conflicting classifications of pathogenicity. Review status: criteria provided, conflicting classifications (1 of 4 stars). 22 submissions from 18 submitters: Uncertain significance (5); Benign (6); Likely benign (6). 5 of the submissions do not count toward it. Last evaluated 2026-05-01.

Conditions:
Cardiovascular phenotype. Identifiers: MedGen CN230736.
TTN-related disorder. Also called: TTN-related disorders; TTN-related condition; TTN-related disease.
Dilated cardiomyopathy 1G (CMD1G). Identifiers: Orphanet 154, MedGen C1858763, MONDO:0011400, OMIM 604145.
Autosomal recessive limb-girdle muscular dystrophy type 2J (LGMDR10). Also called: MUSCULAR DYSTROPHY, LIMB-GIRDLE, AUTOSOMAL RECESSIVE 10; Limb-girdle muscular dystrophy, type 2J. Identifiers: Orphanet 140922, MedGen C1837342, MONDO:0012127, OMIM 608807.
Cardiomyopathy (CMYO). Also called: Cardiomyopathies. Identifiers: Orphanet 167848, MedGen C0878544, MONDO:0004994, HP:0001638. Inheritance: Various modes of inheritance.
Early-onset myopathy with fatal cardiomyopathy (CMYO5). Also called: Salih Myopathy; CONGENITAL MYOPATHY 5 WITH CARDIOMYOPATHY. Identifiers: Orphanet 289377, MedGen C2673677, MONDO:0012714, OMIM 611705. Disease mechanism: loss of function.
Tibial muscular dystrophy (TMD). Also called: UDD MYOPATHY; Tibial muscular dystrophy, tardive; Udd Distal Myopathy – Tibial Muscular Dystrophy. Identifiers: Orphanet 609, MedGen C1838244, MONDO:0010870, OMIM 600334.
Myopathy, myofibrillar, 9, with early respiratory failure (MFM9). Also called: EDSTROM MYOPATHY; MYOPATHY, PROXIMAL, WITH EARLY RESPIRATORY MUSCLE INVOLVEMENT; Myopathy, distal, with early respiratory failure, autosomal dominant; Hereditary myopathy with early respiratory failure. Identifiers: Orphanet 178464, Orphanet 34521, MedGen C1863599, MONDO:0011362, OMIM 603689.

Allele frequency attached by ClinVar (database versions not stated): ESP Exome Variant Server 0.00040; ExAC 0.00046; gnomAD exomes 0.00048 and 0.00054; gnomAD 0.00052; TOPMed 0.00054.
gnomAD v4.1: 876 of 1,613,484 alleles (0.054%); highest among the groups gnomAD compares: Middle Eastern, 0.58%; no homozygotes.

Submissions (22):

CeGaT Center for Human Genetics Tuebingen
Classification: Uncertain significance. Last evaluated: 2026-05-01. Review status: criteria provided, single submitter. Criteria: CeGaT Center For Human Genetics Tuebingen Variant Classification Criteria Version 2. Collection method: clinical testing. Allele origin: germline. Affected: yes. Observed: 27 variant alleles.
Comment: TTN: PM2, BP4

Labcorp Genetics (formerly Invitae), Labcorp
Classification: Likely benign for Dilated cardiomyopathy 1G; Autosomal recessive limb-girdle muscular dystrophy type 2J. Last evaluated: 2026-01-23. Review status: criteria provided, single submitter. Criteria: Invitae Variant Classification Sherloc (09022015). Collection method: clinical testing. Allele origin: germline.

PreventionGenetics, part of Exact Sciences
Classification: Likely benign for TTN-related condition. Last evaluated: 2025-08-08. Review status: criteria provided, single submitter. Criteria: ACMG Guidelines, 2015. Collection method: clinical testing. Allele origin: germline.
Comment: This variant is classified as likely benign based on ACMG/AMP sequence variant interpretation guidelines (Richards et al. 2015 PMID: 25741868, with internal and published modifications).

Athena Diagnostics
Classification: Benign. Last evaluated: 2025-04-09. Review status: criteria provided, single submitter. Criteria: Athena Diagnostics Criteria. Collection method: clinical testing. Allele origin: unknown.
Comment: The frequency of this variant in the general population is higher than would generally be expected for pathogenic variants in this gene. Computational tools yielded predictions that this variant is unlikely to have an effect on normal RNA splicing. This nucleotide position exhibits low evolutionary conservation.

Molecular Diagnostic Laboratory for Inherited Cardiovascular Disease, Montreal Heart Institute
Classification: Benign. Last evaluated: 2025-04-09. Review status: criteria provided, single submitter. Criteria: ACMG Guidelines, 2015. Collection method: clinical testing. Allele origin: germline. Affected: no.

Blueprint Genetics
Classification: Likely benign. Last evaluated: 2024-11-06. Review status: criteria provided, single submitter. Criteria: ACMG Guidelines, 2015. Collection method: clinical testing. Allele origin: germline.

ARUP Laboratories, Molecular Genetics and Genomics, ARUP Laboratories
Classification: Likely benign. Last evaluated: 2024-04-16. Review status: criteria provided, single submitter. Criteria: ARUP Molecular Germline Variant Investigation Process 2024. Collection method: clinical testing. Allele origin: germline.

Women's Health and Genetics/Laboratory Corporation of America, LabCorp
Classification: Benign. Last evaluated: 2023-03-20. Review status: criteria provided, single submitter. Criteria: LabCorp Variant Classification Summary - May 2015. Collection method: clinical testing. Allele origin: germline.

CHEO Genetics Diagnostic Laboratory, Children's Hospital of Eastern Ontario
Classification: Likely benign for Cardiomyopathy. Last evaluated: 2023-01-03. Review status: criteria provided, single submitter. Criteria: ACMG Guidelines, 2015. Collection method: clinical testing. Allele origin: germline. Study: Canadian Open Genetics Repository.

Illumina Laboratory Services, Illumina
Classification: Benign for Myopathy, myofibrillar, 9, with early respiratory failure. Last evaluated: 2018-01-12. Review status: criteria provided, single submitter. Criteria: ICSL Variant Classification Criteria 13 December 2019. Collection method: clinical testing. Allele origin: germline.
Comment: This variant was observed in the ICSL laboratory as part of a predisposition screen in an ostensibly healthy population. It had not been previously curated by ICSL or reported in the Human Gene Mutation Database (HGMD: prior to June 1st, 2018), and was therefore a candidate for classification through an automated scoring system. Utilizing variant allele frequency, disease prevalence and penetrance estimates, and inheritance mode, an automated score was calculated to assess if this variant is too frequent to cause the disease. Based on the score and internal cut-off values, a variant classified as benign is not then subjected to further curation. The score for this variant resulted in a classification of benign for this disease.

Illumina Laboratory Services, Illumina
Classification: Uncertain significance for Dilated cardiomyopathy 1G. Last evaluated: 2018-01-12. Review status: criteria provided, single submitter. Criteria: ICSL Variant Classification Criteria 13 December 2019. Collection method: clinical testing. Allele origin: germline.

Illumina Laboratory Services, Illumina
Classification: Benign for Tibial muscular dystrophy. Last evaluated: 2018-01-12. Review status: criteria provided, single submitter. Criteria: ICSL Variant Classification Criteria 13 December 2019. Collection method: clinical testing. Allele origin: germline.
Comment: the same text as in the submission from Illumina Laboratory Services, Illumina above.

Illumina Laboratory Services, Illumina
Classification: Uncertain significance for Early-onset myopathy with fatal cardiomyopathy. Last evaluated: 2018-01-12. Review status: criteria provided, single submitter. Criteria: ICSL Variant Classification Criteria 13 December 2019. Collection method: clinical testing. Allele origin: germline.

Illumina Laboratory Services, Illumina
Classification: Uncertain significance for Autosomal recessive limb-girdle muscular dystrophy type 2J. Last evaluated: 2018-01-12. Review status: criteria provided, single submitter. Criteria: ICSL Variant Classification Criteria 13 December 2019. Collection method: clinical testing. Allele origin: germline.

Eurofins Ntd Llc (ga)
Classification: Uncertain significance. Last evaluated: 2015-06-23. Review status: criteria provided, single submitter. Criteria: EGL Classification Definitions 2015. Collection method: clinical testing. Allele origin: germline. Observed: 3 variant alleles, 3 heterozygotes.

GeneDx
Classification: Benign. Last evaluated: 2015-04-09. Review status: criteria provided, single submitter. Criteria: GeneDx Variant Classification (06012015). Collection method: clinical testing. Allele origin: germline. Affected: yes.
Comment: This variant is considered likely benign or benign based on one or more of the following criteria: it is a conservative change, it occurs at a poorly conserved position in the protein, it is predicted to be benign by multiple in silico algorithms, and/or has population frequency not consistent with disease.

Ambry Genetics
Classification: Likely benign for Cardiovascular phenotype. Last evaluated: 2013-09-12. Review status: criteria provided, single submitter. Criteria: Ambry Autosomal Dominant and X-Linked criteria (10/2015). Collection method: clinical testing. Allele origin: germline. Observed: 1 variant allele.

Clinical Genetics DNA and cytogenetics Diagnostics Lab, Erasmus MC, Erasmus Medical Center
Classification: Likely benign. Review status: no assertion criteria provided. Collection method: clinical testing. Allele origin: germline. Affected: yes. Study: VKGL Data-share Consensus. Not counted in ClinVar's aggregate classification.

Clinical Genetics, Academic Medical Center
Classification: Benign. Review status: no assertion criteria provided. Collection method: clinical testing. Allele origin: germline. Affected: yes. Study: VKGL Data-share Consensus. Not counted in ClinVar's aggregate classification.

Genome Diagnostics Laboratory, University Medical Center Utrecht
Classification: Likely benign. Review status: no assertion criteria provided. Collection method: clinical testing. Allele origin: germline. Affected: yes. Study: VKGL Data-share Consensus. Not counted in ClinVar's aggregate classification.

Joint Genome Diagnostic Labs from Nijmegen and Maastricht, Radboudumc and MUMC+
Classification: Benign. Review status: no assertion criteria provided. Collection method: clinical testing. Allele origin: germline. Affected: yes. Study: VKGL Data-share Consensus. Not counted in ClinVar's aggregate classification.

Laboratory of Diagnostic Genome Analysis, Leiden University Medical Center (LUMC)
Classification: Likely benign. Review status: no assertion criteria provided. Collection method: clinical testing. Allele origin: germline. Affected: yes. Study: VKGL Data-share Consensus. Not counted in ClinVar's aggregate classification.